The following is an entry in ClinVar:

ClinVar aggregate classification (germline): Likely benign (1 of 4 stars; one submission).

Allele frequency attached by ClinVar (database versions not stated): ESP Exome Variant Server 0.00015; gnomAD 0.00026; gnomAD exomes 0.00033; TOPMed 0.00035; ExAC 0.00058.
gnomAD v4.1: 504 of 1,592,108 alleles (0.032%); highest among the groups gnomAD compares: Middle Eastern, 0.17%; no homozygotes.

Submission:

CeGaT Center for Human Genetics Tuebingen
Classification: Likely benign. Last evaluated: 2024-02-01. Review status: criteria provided, single submitter. Criteria: CeGaT Center For Human Genetics Tuebingen Variant Classification Criteria Version 2. Collection method: clinical testing. Allele origin: germline. Affected: yes. Observed: 1 variant allele.
Comment: ARHGEF11: BP4, BP7

NM_198236.3(ARHGEF11):c.138C>G (p.Arg46=)

Gene: ARHGEF11 (Rho guanine nucleotide exchange factor 11; minus strand). Cytogenetic location: 1q23.1.
Variant type: single nucleotide variant.
Coding change: c.138C>G on transcript NM_198236.3 (MANE Select); coding-DNA position 138, C replaced by G.
Protein change: p.Arg46=; no amino-acid change (arginine 46 retained).
Molecular consequence: synonymous variant.
Genome position (GRCh38, 1-based): chr1:156,984,424, G>C on the plus strand (C>G on the coding strand, the complement: ARHGEF11 is on the minus strand). VCF-style: chr1-156984424-G-C. GRCh37 (hg19) VCF-style: chr1-156954216-G-C.
Other names: c.126C>G, p.Arg42= (NM_001377418.1); c.138C>G, p.Arg46= (NM_001377419.1, NM_014784.4).
Identifiers: ClinVar variation 3025358 (VCV003025358.22), dbSNP rs199615456, ClinGen allele CA1172909.